The following is an entry in ClinVar:

ClinVar aggregate classification (germline): Benign. Review status: criteria provided, multiple submitters, no conflicts (2 of 4 stars). 2 submissions from 2 submitters: Benign (2). Last evaluated 2017-04-27.

Conditions:
Loeys-Dietz syndrome 4 (LDS4). Also called: ANEURYSM, AORTIC AND CEREBRAL, WITH ARTERIAL TORTUOSITY AND SKELETAL MANIFESTATIONS; TGFB2-Related Loeys-Dietz Syndrome. Identifiers: MedGen C3553762, MONDO:0013897, OMIM 614816.

Allele frequency attached by ClinVar (database versions not stated): gnomAD 0.37303 and 0.37627; TOPMed 0.39454; 1000 Genomes Project 30x 0.46174; 1000 Genomes Project 0.46985; gnomAD exomes 0.50000.
gnomAD v4.1: 57,100 of 151,828 alleles (38%); highest among the groups gnomAD compares: East Asian, 72%; 11,651 homozygotes.

Submissions (2):

Illumina Laboratory Services, Illumina
Classification: Benign for Loeys-Dietz syndrome 4. Last evaluated: 2017-04-27. Review status: criteria provided, single submitter. Criteria: ICSL Variant Classification Criteria 13 December 2019. Collection method: clinical testing. Allele origin: germline.
Comment: This variant was observed as part of a predisposition screen in an ostensibly healthy population. A literature search was performed for the gene, cDNA change, and amino acid change (where applicable). No publications were found based on this search. Allele frequency data from public databases was too high to be consistent with this variant causing disease. Therefore, this variant is classified as benign.

Breakthrough Genomics
Classification: Benign. Review status: criteria provided, single submitter. Criteria: ACMG Guidelines, 2015. Collection method: not provided. Allele origin: germline. Inheritance: Autosomal dominant inheritance. Affected: yes.

NM_003238.6(TGFB2):c.*747A>C

Gene: TGFB2 (transforming growth factor beta 2; plus strand). Cytogenetic location: 1q41.
Variant type: single nucleotide variant.
Coding change: c.*747A>C on transcript NM_003238.6 (MANE Select); 747 bases downstream of the stop codon, A replaced by C.
Molecular consequence: 3 prime UTR variant. On other transcripts: non-coding transcript variant (2).
Genome position (GRCh38, 1-based): chr1:218,442,109, A>C. VCF-style: chr1-218442109-A-C. GRCh37 (hg19) VCF-style: chr1-218615451-A-C.
Other names: c.*747A>C (NM_001135599.4).
Identifiers: ClinVar variation 295502 (VCV000295502.6), dbSNP rs991967, ClinGen allele CA10609126.